The following is an entry in ClinVar:

NM_000138.5(FBN1):c.2722T>G (p.Cys908Gly)

Gene: FBN1 (fibrillin 1; minus strand). Cytogenetic location: 15q21.1.
Variant type: single nucleotide variant.
Coding change: c.2722T>G on transcript NM_000138.5 (MANE Select); coding-DNA position 2722, T replaced by G.
Protein change: p.Cys908Gly; replaces cysteine 908 with glycine.
Molecular consequence: missense variant.
Genome position (GRCh38, 1-based): chr15:48,494,210, A>C on the plus strand (T>G on the coding strand, the complement: FBN1 is on the minus strand). VCF-style: chr15-48494210-A-C. GRCh37 (hg19) VCF-style: chr15-48786407-A-C.
Other names: c.2722T>G, p.Cys908Gly (NM_001406716.1); short protein forms C908G.
Identifiers: ClinVar variation 4884421 (VCV004884421.1).

ClinVar aggregate classification (germline): Likely pathogenic (1 of 4 stars; one submission).

Conditions:
Marfan syndrome (MFS). Also called: Marfan's syndrome; MARFAN SYNDROME, TYPE I; Marfan syndrome type 1; Marfan syndrome, classic; FBN1-Related Marfan Syndrome. Identifiers: Orphanet 284963, Orphanet 558, MedGen C0024796, MONDO:0007947, OMIM 154700.

Submission:

Division of Genetic & Genomic Pathology, Hong Kong Children's Hospital
Classification: Likely pathogenic for Marfan syndrome. Last evaluated: 2024-09-30. Review status: criteria provided, single submitter. Criteria: ACMG Guidelines, 2015. Collection method: clinical testing. Allele origin: germline. Affected: yes.
Comment: FBN1 c.2722T>G p.(Cys908Gly) is a missense variant located in exon 23 (out of 66 exons) of the gene. The variant is absent in population databases (gnomAD v2.1.1 and gnomAD v4.1.0) and has not been reported in ClinVar. It has been reported in two patients meeting Ghent criteria or having ectopia lentis (PMID: 25656438, 38190127). The variant affects a cysteine residue in the hybrid domain of fibrillin-1. Other missense variants affecting the same amino acid residue, p.(Cys908Arg), p.(Cys908Tyr) and p.(Cys908Ser), have been reported in ClinVar as likely pathogenic or pathogenic. The variant has a REVEL score of 0.939, which is predicted to be deleterious. FBN1 is a gene that has a low rate of benign missense variation (gnomAD missense constraint z-score of 5.06). For these reasons, this variant is classified as likely pathogenic.

Literature cited by the submitters: PubMed 25656438; PubMed 38190127.